The following is an entry in ClinVar:

NM_032043.3(BRIP1):c.24T>A (p.Tyr8Ter)

Gene: BRIP1 (BRCA1 interacting DNA helicase 1; minus strand). Cytogenetic location: 17q23.2.
Variant type: single nucleotide variant.
Coding change: c.24T>A on transcript NM_032043.3 (MANE Select); coding-DNA position 24, T replaced by A.
Protein change: p.Tyr8Ter; replaces tyrosine 8 with a stop codon.
Molecular consequence: nonsense.
Genome position (GRCh38, 1-based): chr17:61,861,516, A>T on the plus strand (T>A on the coding strand, the complement: BRIP1 is on the minus strand). VCF-style: chr17-61861516-A-T. GRCh37 (hg19) VCF-style: chr17-59938877-A-T.
Other names: short protein forms Y8*.
Identifiers: ClinVar variation 231431 (VCV000231431.16), dbSNP rs752411477, ClinGen allele CA8691019.

ClinVar aggregate classification (germline): Conflicting classifications of pathogenicity. Review status: criteria provided, conflicting classifications (1 of 4 stars). 5 submissions from 5 submitters: Pathogenic (4); Uncertain significance (1). Last evaluated 2026-04-21.

Conditions:
Familial cancer of breast. Also called: Hereditary breast cancer; BREAST CANCER, FAMILIAL; hereditary breast carcinoma. Identifiers: Orphanet 227535, MedGen C0346153, MONDO:0016419, OMIM 114480. Disease mechanism: loss of function.
Fanconi anemia complementation group J. Also called: BRIP1-Related Fanconi Anemia. Identifiers: Orphanet 84, MedGen C1836860, MONDO:0012187, OMIM 609054.
Familial ovarian cancer. Identifiers: MedGen C5679802, MONDO:0016248.
Inherited ovarian cancer (without breast cancer).
Hereditary cancer-predisposing syndrome. Also called: Neoplastic Syndromes, Hereditary; Hereditary Cancer Syndrome; Hereditary neoplastic syndrome; Tumor predisposition. Identifiers: Orphanet 140162, MedGen C0027672, MeSH D009386, MONDO:0015356.

Allele frequency attached by ClinVar (database versions not stated): gnomAD 0.00001.
gnomAD v4.1: 3 of 1,612,594 alleles (0.00019%); highest among the groups gnomAD compares: Non-Finnish European, 0.00025%; no homozygotes.

Submissions (5):

Genetics Laboratory, Great Ormond Street Hospital NHS Foundation Trust, North Thames Genomic Laboratory Hub
Classification: Uncertain significance for Inherited ovarian cancer (without breast cancer). Last evaluated: 2026-04-21. Review status: criteria provided, single submitter. Criteria: CanVIG Consensus Spec V3.0. Collection method: clinical testing. Allele origin: germline. Affected: yes.
Comment: PM2_supporting, PVS1_strong

Ambry Genetics
Classification: Pathogenic for Hereditary cancer-predisposing syndrome. Last evaluated: 2024-10-29. Review status: criteria provided, single submitter. Criteria: Ambry Variant Classification Scheme 2023. Collection method: clinical testing. Allele origin: germline.
Comment: The p.Y8* pathogenic mutation (also known as c.24T>A), located in coding exon 1 of the BRIP1 gene, results from a T to A substitution at nucleotide position 24. This changes the amino acid from a tyrosine to a stop codon within coding exon 1. This variant is considered to be rare based on population cohorts in the Genome Aggregation Database (gnomAD). This alteration is expected to result in loss of function by premature protein truncation or nonsense-mediated mRNA decay. As such, this alteration is interpreted as a disease-causing mutation.

Department of Pathology and Laboratory Medicine, Sinai Health System
Classification: Pathogenic for familial ovarian cancer. Last evaluated: 2023-10-05. Review status: criteria provided, single submitter. Criteria: ACMG Guidelines, 2015. Collection method: clinical testing. Allele origin: germline. Affected: yes.

Myriad Genetics, Inc.
Classification: Pathogenic for Familial cancer of breast. Last evaluated: 2023-05-30. Review status: criteria provided, single submitter. Criteria: Myriad Autosomal Dominant, Autosomal Recessive and X-Linked Classification Criteria (2023). Collection method: clinical testing. Allele origin: unknown.
Comment: This variant is considered pathogenic. This variant creates a termination codon and is predicted to result in premature protein truncation.

Labcorp Genetics (formerly Invitae), Labcorp
Classification: Pathogenic for Familial cancer of breast; Fanconi anemia complementation group J. Last evaluated: 2021-12-23. Review status: criteria provided, single submitter. Criteria: Invitae Variant Classification Sherloc (09022015). Collection method: clinical testing. Allele origin: germline.
Comment: This sequence change creates a premature translational stop signal (p.Tyr8*) in the BRIP1 gene. It is expected to result in an absent or disrupted protein product. Loss-of-function variants in BRIP1 are known to be pathogenic (PMID: 16116423, 17033622, 21964575). The frequency data for this variant in the population databases is considered unreliable, as metrics indicate poor data quality at this position in the gnomAD database. This variant has not been reported in the literature in individuals affected with BRIP1-related conditions. ClinVar contains an entry for this variant (Variation ID: 231431). For these reasons, this variant has been classified as Pathogenic.

Literature cited by the submitters: PubMed 16116423 (cited by Labcorp Genetics (formerly Invitae), Labcorp); PubMed 17033622 (cited by Labcorp Genetics (formerly Invitae), Labcorp); PubMed 21964575 (cited by Labcorp Genetics (formerly Invitae), Labcorp).